The following is an entry in ClinVar:

NM_001145809.2(MYH14):c.2680C>A (p.Arg894=)

Gene: MYH14 (myosin heavy chain 14; plus strand). Cytogenetic location: 19q13.33.
Variant type: single nucleotide variant.
Coding change: c.2680C>A on transcript NM_001145809.2 (MANE Select); coding-DNA position 2680, C replaced by A.
Protein change: p.Arg894=; no amino-acid change (arginine 894 retained).
Molecular consequence: synonymous variant.
Genome position (GRCh38, 1-based): chr19:50,263,406, C>A. VCF-style: chr19-50263406-C-A. GRCh37 (hg19) VCF-style: chr19-50766663-C-A.
Other names: c.2581C>A, p.Arg861= (NM_001077186.2); c.2557C>A, p.Arg853= (NM_024729.4).
Identifiers: ClinVar variation 517425 (VCV000517425.12), dbSNP rs34805056, ClinGen allele CA9593026.
Genomic context (GRCh38, chr19:50,263,406, plus strand): 5'-CTGAGGGTGATGCAGCGGAACTGCGCGGCCTACCTCAAGCTGAGACACTGGCAGTGGTGG[C>A]GGCTGTTTACCAAGGTGAGGGCAGCCTGGGGAGGTGGCCCCAGTAGGGAGAGGATAGGGC-3'
Protein context (NP_001139281.1, residues 884-904): YLKLRHWQWW[Arg894=]LFTKVKPLLQ

ClinVar aggregate classification (germline): Benign/Likely benign. Review status: criteria provided, multiple submitters, no conflicts (2 of 4 stars). 3 submissions from 3 submitters: Benign (1); Likely benign (2). Last evaluated 2025-10-24.

Allele frequency attached by ClinVar (database versions not stated): gnomAD exomes 0.00018; TOPMed 0.00060; gnomAD 0.00062; 1000 Genomes Project 0.00160; 1000 Genomes Project 30x 0.00203.
gnomAD v4.1: 185 of 1,600,596 alleles (0.012%); highest among the groups gnomAD compares: African/African-American, 0.21%; 1 homozygote.

Submissions (3):

Labcorp Genetics (formerly Invitae), Labcorp
Classification: Benign. Last evaluated: 2025-10-24. Review status: criteria provided, single submitter. Criteria: Invitae Variant Classification Sherloc (09022015). Collection method: clinical testing. Allele origin: germline.

GeneDx
Classification: Likely benign. Last evaluated: 2020-07-17. Review status: criteria provided, single submitter. Criteria: GeneDx Variant Classification Process June 2021. Collection method: clinical testing. Allele origin: germline. Affected: yes.

Laboratory for Molecular Medicine, Mass General Brigham Personalized Medicine
Classification: Likely benign. Last evaluated: 2017-08-10. Review status: criteria provided, single submitter. Criteria: LMM Criteria. Collection method: clinical testing. Allele origin: germline. Observed: 1 variant allele.
Comment: p.Arg894Arg in exon 22 of MYH14: This variant is not expected to have clinical significance because it does not alter an amino acid residue and is not located within the splice consensus sequence. It has been identified in 0.23% (50/21448) of African chromosomes including 1 homozygote by the Genome Aggregation Databas e (gnomAD; dbSNP rs34805056).